The following is an entry in ClinVar:

ClinVar aggregate classification (germline): Uncertain significance (1 of 4 stars; one submission).

Submission:

Labcorp Genetics (formerly Invitae), Labcorp
Classification: Uncertain significance. Last evaluated: 2023-06-09. Review status: criteria provided, single submitter. Criteria: Invitae Variant Classification Sherloc (09022015). Collection method: clinical testing. Allele origin: germline.
Comment: This sequence change affects codon 828 of the CHD8 mRNA. It is a 'silent' change, meaning that it does not change the encoded amino acid sequence of the CHD8 protein. This variant is not present in population databases (gnomAD no frequency). This variant has not been reported in the literature in individuals affected with CHD8-related conditions. Algorithms developed to predict the effect of sequence changes on RNA splicing suggest that this variant may disrupt the consensus splice site. In summary, the available evidence is currently insufficient to determine the role of this variant in disease. Therefore, it has been classified as a Variant of Uncertain Significance.

NM_001170629.2(CHD8):c.2484C>T (p.Asn828=)

Gene: CHD8 (chromodomain helicase DNA binding protein 8; minus strand). Cytogenetic location: 14q11.2.
Variant type: single nucleotide variant.
Coding change: c.2484C>T on transcript NM_001170629.2 (MANE Select); coding-DNA position 2484, C replaced by T.
Protein change: p.Asn828=; no amino-acid change (asparagine 828 retained).
Molecular consequence: synonymous variant.
Genome position (GRCh38, 1-based): chr14:21,408,706, G>A on the plus strand (C>T on the coding strand, the complement: CHD8 is on the minus strand). VCF-style: chr14-21408706-G-A. GRCh37 (hg19) VCF-style: chr14-21876865-G-A.
Other names: c.1647C>T, p.Asn549= (NM_020920.4).
Identifiers: ClinVar variation 2704591 (VCV002704591.3), dbSNP rs2501924915, ClinGen allele CA484986995.
Genomic context (GRCh38, chr14:21,408,706, plus strand): 5'-ACAAATAAAAATAATCCCAGAACTAAGCTTACATCTTATGGCCCATTCTTTCCTTTACCT[G>A]TTATACCAATTAAAGAGCAGCCAATTAACCCCTTCCAACTGATATTCCCGTAGCTGGTTT-3'
Protein context (NP_001164100.1, residues 818-838): GVNWLLFNWY[Asn828=]RQNCILADEM